The following is an entry in ClinVar:

NM_003482.4(KMT2D):c.5884T>C (p.Phe1962Leu)

Gene: KMT2D (lysine methyltransferase 2D; minus strand). Cytogenetic location: 12q13.12.
Variant type: single nucleotide variant.
Coding change: c.5884T>C on transcript NM_003482.4 (MANE Select); coding-DNA position 5884, T replaced by C.
Protein change: p.Phe1962Leu; replaces phenylalanine 1962 with leucine.
Molecular consequence: missense variant.
Genome position (GRCh38, 1-based): chr12:49,042,314, A>G on the plus strand (T>C on the coding strand, the complement: KMT2D is on the minus strand). VCF-style: chr12-49042314-A-G. GRCh37 (hg19) VCF-style: chr12-49436097-A-G.
Other names: short protein forms F1962L.
Identifiers: ClinVar variation 2851829 (VCV002851829.3), dbSNP rs2498407680, ClinGen allele CA384627730.
Genomic context (GRCh38, chr12:49,042,314, plus strand): 5'-AGGGCGTGGTGCCACCTGAGCCCGTCCAGGGGCTGTCGGGCTCACCGGGTTCCGGGCTAA[A>G]GAAGCCCCCGCGCTCCCTGGGGCGCAGGGGCAGAGAGTCACAGGGCGCAGGGATGCCAAG-3'
Protein context (NP_003473.3, residues 1952-1972): FLDSRERGGF[Phe1962Leu]SPEPGEPDSP

ClinVar aggregate classification (germline): Uncertain significance (1 of 4 stars; one submission).

Conditions:
Kabuki syndrome. Also called: Kabuki make-up syndrome; NIIKAWA-KUROKI SYNDROME. Identifiers: Orphanet 2322, MedGen C0796004, MONDO:0016512.

Submission:

Labcorp Genetics (formerly Invitae), Labcorp
Classification: Uncertain significance for Kabuki syndrome. Last evaluated: 2023-05-08. Review status: criteria provided, single submitter. Criteria: Invitae Variant Classification Sherloc (09022015). Collection method: clinical testing. Allele origin: germline.
Comment: Advanced modeling of protein sequence and biophysical properties (such as structural, functional, and spatial information, amino acid conservation, physicochemical variation, residue mobility, and thermodynamic stability) performed at Invitae indicates that this missense variant is not expected to disrupt KMT2D protein function. In summary, the available evidence is currently insufficient to determine the role of this variant in disease. Therefore, it has been classified as a Variant of Uncertain Significance. This variant is not present in population databases (gnomAD no frequency). This sequence change replaces phenylalanine, which is neutral and non-polar, with leucine, which is neutral and non-polar, at codon 1962 of the KMT2D protein (p.Phe1962Leu). This variant has not been reported in the literature in individuals affected with KMT2D-related conditions.